The following is an entry in ClinVar:

ClinVar aggregate classification (germline): Pathogenic (1 of 4 stars; one submission).

Submission:

Labcorp Genetics (formerly Invitae), Labcorp
Classification: Pathogenic. Last evaluated: 2024-07-08. Review status: criteria provided, single submitter. Criteria: Invitae Variant Classification Sherloc (09022015). Collection method: clinical testing. Allele origin: germline.
Comment: This sequence change creates a premature translational stop signal (p.Ser1187Thrfs*4) in the SETBP1 gene. It is expected to result in an absent or disrupted protein product. Loss-of-function variants in SETBP1 are known to be pathogenic (PMID: 21037274, 25217958). This variant is not present in population databases (gnomAD no frequency). This variant has not been reported in the literature in individuals affected with SETBP1-related conditions. For these reasons, this variant has been classified as Pathogenic.

Literature cited by the submitters: PubMed 21037274; PubMed 25217958.

NM_015559.3(SETBP1):c.3560del (p.Ser1187fs)

Gene: SETBP1 (SET binding protein 1; plus strand). Cytogenetic location: 18q12.3.
Variant type: Deletion.
Coding change: c.3560del on transcript NM_015559.3 (MANE Select); coding-DNA position 3560, one base deleted (G; older notation c.3560delG).
Protein change: p.Ser1187fs; shifts the reading frame from serine 1187.
Molecular consequence: frameshift variant.
Genome position (GRCh38, 1-based): chr18:44,952,900, G deleted. VCF-style (leftmost placement, unchanged base first): chr18-44952899-AG-A. GRCh37 (hg19) VCF-style: chr18-42532864-AG-A.
Other names: c.3560del, p.Ser1187fs (NM_001379141.1, NM_001379142.1, NM_001410862.1); short protein forms S1187fs.
Identifiers: ClinVar variation 3659015 (VCV003659015.2).
Genomic context (GRCh38, chr18:44,952,899, plus strand): 5'-CATGACAACCTGAGTGGTCTTTTTGCAGGCAAAGCCACAGGCTTCTCCAGCCACATCCTG[AG>A]CGAGCGGCTGAGTAGCGCAGACAAAGAGCTCCCGCTGGTGAGTGAGAAGAACAAGCATAA-3'